The following is an entry in ClinVar:

NM_001369268.1(ACAN):c.5510T>C (p.Val1837Ala)

Gene: ACAN (aggrecan; plus strand). Cytogenetic location: 15q26.1.
Variant type: single nucleotide variant.
Coding change: c.5510T>C on transcript NM_001369268.1 (MANE Select); coding-DNA position 5510, T replaced by C.
Protein change: p.Val1837Ala; replaces valine 1837 with alanine.
Molecular consequence: missense variant.
Genome position (GRCh38, 1-based): chr15:88,858,095, T>C. VCF-style: chr15-88858095-T-C. GRCh37 (hg19) VCF-style: chr15-89401326-T-C.
Other names: c.5510T>C, p.Val1837Ala (NM_001135.4, NM_001411096.1, NM_001411097.1 and 1 more transcripts); short protein forms V1837A.
Identifiers: ClinVar variation 3602521 (VCV003602521.1).
Genomic context (GRCh38, chr15:88,858,095, plus strand): 5'-CTGGTACCACGAGTGGCAGCGGTGAATCTTCTGGGATTACATTTGTGGACACCAGTTTGG[T>C]TGAAGTGGCCCCTACTACATTTAAAGAAGAAGAAGGCTTAGGGTCTGTGGAACTCAGTGG-3'
Protein context (NP_001356197.1, residues 1827-1847): SGITFVDTSL[Val1837Ala]EVAPTTFKEE

ClinVar aggregate classification (germline): Uncertain significance (1 of 4 stars; one submission).

gnomAD v4.1: 1 of 1,613,862 alleles (0.000062%); highest among the groups gnomAD compares: Non-Finnish European, 0.000085%; no homozygotes.

Submission:

GeneDx
Classification: Uncertain significance. Last evaluated: 2024-07-30. Review status: criteria provided, single submitter. Criteria: GeneDx Variant Classification Process June 2021. Collection method: clinical testing. Allele origin: germline. Affected: yes.
Comment: Not observed at significant frequency in large population cohorts (gnomAD); In silico analysis supports that this missense variant has a deleterious effect on protein structure/function; Has not been previously published as pathogenic or benign to our knowledge